The following is an entry in ClinVar:

NM_032043.3(BRIP1):c.1402T>C (p.Trp468Arg)

Gene: BRIP1 (BRCA1 interacting DNA helicase 1; minus strand). Cytogenetic location: 17q23.2.
Variant type: single nucleotide variant.
Coding change: c.1402T>C on transcript NM_032043.3 (MANE Select); coding-DNA position 1402, T replaced by C.
Protein change: p.Trp468Arg; replaces tryptophan 468 with arginine.
Molecular consequence: missense variant.
Genome position (GRCh38, 1-based): chr17:61,793,668, A>G on the plus strand (T>C on the coding strand, the complement: BRIP1 is on the minus strand). VCF-style: chr17-61793668-A-G. GRCh37 (hg19) VCF-style: chr17-59871029-A-G.
Other names: short protein forms W468R.
Identifiers: ClinVar variation 648342 (VCV000648342.16), dbSNP rs1369814158, ClinGen allele CA400482190.

ClinVar aggregate classification (germline): Uncertain significance. Review status: criteria provided, multiple submitters, no conflicts (2 of 4 stars). 3 submissions from 3 submitters: Uncertain significance (3). Last evaluated 2025-10-28.

Conditions:
Hereditary cancer-predisposing syndrome. Also called: Hereditary Cancer Syndrome; Hereditary neoplastic syndrome; Tumor predisposition; Neoplastic Syndromes, Hereditary. Identifiers: Orphanet 140162, MedGen C0027672, MeSH D009386, MONDO:0015356.
Familial cancer of breast. Also called: hereditary breast carcinoma; Hereditary breast cancer; BREAST CANCER, FAMILIAL. Identifiers: Orphanet 227535, MedGen C0346153, MONDO:0016419, OMIM 114480. Disease mechanism: loss of function.
Fanconi anemia complementation group J. Also called: BRIP1-Related Fanconi Anemia. Identifiers: Orphanet 84, MedGen C1836860, MONDO:0012187, OMIM 609054.

Allele frequency attached by ClinVar (database versions not stated): gnomAD exomes below 0.00001; TOPMed below 0.00001.
gnomAD v4.1: 1 of 1,610,230 alleles (0.000062%); highest among the groups gnomAD compares: Non-Finnish European, 0.000085%; no homozygotes.

Submissions (3):

Ambry Genetics
Classification: Uncertain significance for Hereditary cancer-predisposing syndrome. Last evaluated: 2025-10-28. Review status: criteria provided, single submitter. Criteria: Ambry Variant Classification Scheme 2023. Collection method: clinical testing. Allele origin: germline.
Comment: The p.W468R variant (also known as c.1402T>C), located in coding exon 9 of the BRIP1 gene, results from a T to C substitution at nucleotide position 1402. The tryptophan at codon 468 is replaced by arginine, an amino acid with dissimilar properties. This amino acid position is highly conserved in available vertebrate species. In addition, this alteration is predicted to be deleterious by in silico analysis. Since supporting evidence is limited at this time, the clinical significance of this alteration remains unclear.

Labcorp Genetics (formerly Invitae), Labcorp
Classification: Uncertain significance for Familial cancer of breast; Fanconi anemia complementation group J. Last evaluated: 2025-04-21. Review status: criteria provided, single submitter. Criteria: Invitae Variant Classification Sherloc (09022015). Collection method: clinical testing. Allele origin: germline.
Comment: This sequence change replaces tryptophan, which is neutral and slightly polar, with arginine, which is basic and polar, at codon 468 of the BRIP1 protein (p.Trp468Arg). This variant is not present in population databases (gnomAD no frequency). This variant has not been reported in the literature in individuals affected with BRIP1-related conditions. ClinVar contains an entry for this variant (Variation ID: 648342). Invitae Evidence Modeling of protein sequence and biophysical properties (such as structural, functional, and spatial information, amino acid conservation, physicochemical variation, residue mobility, and thermodynamic stability) has been performed for this missense variant. However, the output from this modeling did not meet the statistical confidence thresholds required to predict the impact of this variant on BRIP1 protein function. In summary, the available evidence is currently insufficient to determine the role of this variant in disease. Therefore, it has been classified as a Variant of Uncertain Significance.

GeneDx
Classification: Uncertain significance. Last evaluated: 2023-09-05. Review status: criteria provided, single submitter. Criteria: GeneDx Variant Classification Process June 2021. Collection method: clinical testing. Allele origin: germline.
Comment: Not observed at significant frequency in large population cohorts (gnomAD); In silico analysis supports that this missense variant has a deleterious effect on protein structure/function; Has not been previously published as pathogenic or benign to our knowledge